The following is an entry in ClinVar:

NM_001349253.2(SCN11A):c.3126G>A (p.Trp1042Ter)

Gene: SCN11A (sodium voltage-gated channel alpha subunit 11; minus strand). Cytogenetic location: 3p22.2.
Variant type: single nucleotide variant.
Coding change: c.3126G>A on transcript NM_001349253.2 (MANE Select); coding-DNA position 3126, G replaced by A.
Protein change: p.Trp1042Ter; replaces tryptophan 1042 with a stop codon.
Molecular consequence: nonsense.
Genome position (GRCh38, 1-based): chr3:38,883,326, C>T on the plus strand (G>A on the coding strand, the complement: SCN11A is on the minus strand). VCF-style: chr3-38883326-C-T. GRCh37 (hg19) VCF-style: chr3-38924817-C-T.
Other names: c.3126G>A, p.Trp1042Ter (NM_014139.3); short protein forms W1042*.
Identifiers: ClinVar variation 1304800 (VCV001304800.2), dbSNP rs2126106658, ClinGen allele CA352173120.

ClinVar aggregate classification (germline): Uncertain significance (1 of 4 stars; one submission).

Submission:

GeneDx
Classification: Uncertain significance. Last evaluated: 2019-07-29. Review status: criteria provided, single submitter. Criteria: GeneDx Variant Classification Process June 2021. Collection method: clinical testing. Allele origin: germline. Affected: yes.
Comment: Not observed in large population cohorts (Lek et al., 2016); Nonsense variant predicted to result in protein truncation or nonsense mediated decay in a gene for which loss-of-function is not a known mechanism of disease; Has not been previously published as pathogenic or benign to our knowledge